The following is an entry in ClinVar:

ClinVar aggregate classification (germline): Likely benign (1 of 4 stars; one submission).

Allele frequency attached by ClinVar (database versions not stated): 1000 Genomes Project 30x 0.00219; 1000 Genomes Project 0.00240; TOPMed 0.00342; gnomAD 0.00379 and 0.00385.
gnomAD v4.1: 578 of 152,286 alleles (0.38%); highest among the groups gnomAD compares: Middle Eastern, 1.7%; 4 homozygotes.

Submission:

CeGaT Center for Human Genetics Tuebingen
Classification: Likely benign. Last evaluated: 2024-02-01. Review status: criteria provided, single submitter. Criteria: CeGaT Center For Human Genetics Tuebingen Variant Classification Criteria Version 2. Collection method: clinical testing. Allele origin: germline. Affected: yes. Observed: 29 variant alleles.
Comment: BRAF: BS1

NM_004333.6(BRAF):c.1177+1073C>T

Gene: BRAF (B-Raf proto-oncogene, serine/threonine kinase; minus strand). Cytogenetic location: 7q34.
Variant type: single nucleotide variant.
Coding change: c.1177+1073C>T on transcript NM_004333.6 (MANE Select); 1073 bases into the intron after coding-DNA position 1177, C replaced by T.
Molecular consequence: intron variant.
Genome position (GRCh38, 1-based): chr7:140,786,475, G>A on the plus strand (C>T on the coding strand, the complement: BRAF is on the minus strand). VCF-style: chr7-140786475-G-A. GRCh37 (hg19) VCF-style: chr7-140486275-G-A.
Other names: c.1177+1073C>T (NM_001378474.1, NM_001378468.1, NM_001354609.2 and 1 more transcripts); c.1075+1073C>T (NM_001378470.1); c.913+1073C>T (NM_001378475.1); c.1141-3392C>T (NM_001378471.1); c.1178-667C>T (NM_001374258.1, NM_001374244.1); c.1186+1073C>T (NM_001378467.1); c.1021+1073C>T (NM_001378472.1, NM_001378473.1).
Identifiers: ClinVar variation 1695211 (VCV001695211.31), dbSNP rs147309367, ClinGen allele CA168093852.